The following is an entry in ClinVar:

ClinVar aggregate classification (germline): Uncertain significance. Review status: criteria provided, multiple submitters, no conflicts (2 of 4 stars). 5 submissions from 5 submitters: Uncertain significance (5). Last evaluated 2025-10-24.

Conditions:
Autosomal recessive limb-girdle muscular dystrophy type 2Y (MRRSDC). Also called: Muscular dystrophy, limb-girdle, type 2y; Muscular dystrophy, autosomal recessive, with rigid spine and distal joint contractures. Identifiers: Orphanet 424261, MedGen C4511482, MONDO:0014900, OMIM 617072.
Inborn genetic diseases. Identifiers: MedGen C0950123, MeSH D030342.

Allele frequency attached by ClinVar (database versions not stated): ExAC 0.00002; gnomAD exomes 0.00003 and 0.00008; gnomAD 0.00007; TOPMed 0.00007.

Submissions (5):

GeneDx
Classification: Uncertain significance. Last evaluated: 2025-10-24. Review status: criteria provided, single submitter. Criteria: GeneDx Variant Classification Process June 2021. Collection method: clinical testing. Allele origin: germline. Affected: yes.
Comment: In silico analysis suggests that this missense variant does not alter protein structure/function; Has not been previously published as pathogenic or benign to our knowledge

Labcorp Genetics (formerly Invitae), Labcorp
Classification: Uncertain significance for Autosomal recessive limb-girdle muscular dystrophy type 2Y. Last evaluated: 2025-07-10. Review status: criteria provided, single submitter. Criteria: Invitae Variant Classification Sherloc (09022015). Collection method: clinical testing. Allele origin: germline.
Comment: This sequence change replaces arginine, which is basic and polar, with histidine, which is basic and polar, at codon 481 of the TOR1AIP1 protein (p.Arg481His). This variant is present in population databases (rs745350340, gnomAD 0.02%). This variant has not been reported in the literature in individuals affected with TOR1AIP1-related conditions. ClinVar contains an entry for this variant (Variation ID: 1054777). Invitae Evidence Modeling of protein sequence and biophysical properties (such as structural, functional, and spatial information, amino acid conservation, physicochemical variation, residue mobility, and thermodynamic stability) indicates that this missense variant is not expected to disrupt TOR1AIP1 protein function with a negative predictive value of 80%. In summary, the available evidence is currently insufficient to determine the role of this variant in disease. Therefore, it has been classified as a Variant of Uncertain Significance.

Ambry Genetics
Classification: Uncertain significance for Inborn genetic diseases. Last evaluated: 2025-06-07. Review status: criteria provided, single submitter. Criteria: Ambry Variant Classification Scheme 2023. Collection method: clinical testing. Allele origin: germline.

Revvity Omics, Revvity
Classification: Uncertain significance. Last evaluated: 2024-10-09. Review status: criteria provided, single submitter. Criteria: ACMG Guidelines, 2015. Collection method: clinical testing. Allele origin: germline.

Genome-Nilou Lab
Classification: Uncertain significance for Autosomal recessive limb-girdle muscular dystrophy type 2Y. Last evaluated: 2023-04-11. Review status: criteria provided, single submitter. Criteria: ACMG Guidelines, 2015. Collection method: clinical testing. Allele origin: germline. Affected: no.

NM_015602.4(TOR1AIP1):c.1439G>A (p.Arg480His)

Gene: TOR1AIP1 (torsin 1A interacting protein 1; plus strand). Cytogenetic location: 1q25.2.
Variant type: single nucleotide variant.
Coding change: c.1439G>A on transcript NM_015602.4 (MANE Select); coding-DNA position 1439, G replaced by A.
Protein change: p.Arg480His; replaces arginine 480 with histidine.
Molecular consequence: missense variant.
Genome position (GRCh38, 1-based): chr1:179,917,926, G>A. VCF-style: chr1-179917926-G-A. GRCh37 (hg19) VCF-style: chr1-179887061-G-A.
Other names: c.1439G>A (NM_015602.2); c.1442G>A, p.Arg481His (NM_001267578.2); short protein forms R480H, R481H.
Identifiers: ClinVar variation 1054777 (VCV001054777.13), dbSNP rs745350340, ClinGen allele CA1269147.